The following is an entry in ClinVar:

ClinVar aggregate classification (germline): Uncertain significance. Review status: criteria provided, multiple submitters, no conflicts (2 of 4 stars). 2 submissions from 2 submitters: Uncertain significance (2). Last evaluated 2024-06-11.

Submissions (2):

Labcorp Genetics (formerly Invitae), Labcorp
Classification: Uncertain significance. Last evaluated: 2024-06-11. Review status: criteria provided, single submitter. Criteria: Invitae Variant Classification Sherloc (09022015). Collection method: clinical testing. Allele origin: germline.
Comment: This sequence change replaces glutamic acid, which is acidic and polar, with glycine, which is neutral and non-polar, at codon 709 of the BUB1 protein (p.Glu709Gly). This variant is not present in population databases (gnomAD no frequency). This variant has not been reported in the literature in individuals affected with BUB1-related conditions. Algorithms developed to predict the effect of missense changes on protein structure and function output the following: SIFT: "Not Available"; PolyPhen-2: "Not Available"; Align-GVGD: "Not Available". The glycine amino acid residue is found in multiple mammalian species, which suggests that this missense change does not adversely affect protein function. In summary, the available evidence is currently insufficient to determine the role of this variant in disease. Therefore, it has been classified as a Variant of Uncertain Significance.

Ambry Genetics
Classification: Uncertain significance. Last evaluated: 2024-05-07. Review status: criteria provided, single submitter. Criteria: Ambry Variant Classification Scheme 2023. Collection method: clinical testing. Allele origin: germline.
Comment: The p.E709G variant (also known as c.2126A>G), located in coding exon 18 of the BUB1 gene, results from an A to G substitution at nucleotide position 2126. The glutamic acid at codon 709 is replaced by glycine, an amino acid with similar properties. This amino acid position is conserved. In addition, this alteration is predicted to be tolerated by in silico analysis. Based on the available evidence, the clinical significance of this variant remains unclear.

NM_004336.5(BUB1):c.2126A>G (p.Glu709Gly)

Gene: BUB1 (BUB1 mitotic checkpoint serine/threonine kinase; minus strand). Cytogenetic location: 2q13.
Variant type: single nucleotide variant.
Coding change: c.2126A>G on transcript NM_004336.5 (MANE Select); coding-DNA position 2126, A replaced by G.
Protein change: p.Glu709Gly; replaces glutamic acid 709 with glycine.
Molecular consequence: missense variant.
Genome position (GRCh38, 1-based): chr2:110,650,623, T>C on the plus strand (A>G on the coding strand, the complement: BUB1 is on the minus strand). VCF-style: chr2-110650623-T-C. GRCh37 (hg19) VCF-style: chr2-111408200-T-C.
Other names: c.2126A>G, p.Glu709Gly (NM_001278617.2); c.2066A>G, p.Glu689Gly (NM_001278616.2); short protein forms E689G, E709G.
Identifiers: ClinVar variation 3262155 (VCV003262155.3).
Genomic context (GRCh38, chr2:110,650,623, plus strand): 5'-CCAAGTGAACTCATCTGCATCCATTCTGCTTGGAGCCCAGCAATAGCATCTGGTGGATCT[T>C]CTGCAATGGCAGCGTCAGTGTCTGTGAGTCTGCAAGCCTCAACGCCCAACTCTGCCTCAC-3'
Protein context (NP_004327.1, residues 699-719): RLTDTDAAIA[Glu709Gly]DPPDAIAGLQ